The following is an entry in ClinVar:

NM_001377295.2(GNAT2):c.719T>C (p.Val240Ala)

Genes: GNAT2 (G protein subunit alpha transducin 2; minus strand), LOC129388577 (MPRA-validated peak357 silencer; plus strand). Cytogenetic location: 1p13.3.
Variant type: single nucleotide variant.
Coding change: c.719T>C on transcript NM_001377295.2 (MANE Select); coding-DNA position 719, T replaced by C.
Protein change: p.Val240Ala; replaces valine 240 with alanine.
Molecular consequence: missense variant.
Genome position (GRCh38, 1-based): chr1:109,605,971, A>G on the plus strand (T>C on the coding strand, the complement: GNAT2 is on the minus strand). VCF-style: chr1-109605971-A-G. GRCh37 (hg19) VCF-style: chr1-110148593-A-G.
Other names: c.719T>C, p.Val240Ala (NM_001379232.1, NM_005272.5); short protein forms V240A.
Identifiers: ClinVar variation 1384537 (VCV001384537.5), dbSNP rs2101123698, ClinGen allele CA341536077.

ClinVar aggregate classification (germline): Uncertain significance (1 of 4 stars; one submission).

gnomAD v4.1: 1 of 1,613,580 alleles (0.000062%); no homozygotes.

Submission:

Labcorp Genetics (formerly Invitae), Labcorp
Classification: Uncertain significance. Last evaluated: 2022-08-15. Review status: criteria provided, single submitter. Criteria: Invitae Variant Classification Sherloc (09022015). Collection method: clinical testing. Allele origin: germline.
Comment: ClinVar contains an entry for this variant (Variation ID: 1384537). This variant has not been reported in the literature in individuals affected with GNAT2-related conditions. This variant is not present in population databases (gnomAD no frequency). This sequence change replaces valine, which is neutral and non-polar, with alanine, which is neutral and non-polar, at codon 240 of the GNAT2 protein (p.Val240Ala). Algorithms developed to predict the effect of missense changes on protein structure and function are either unavailable or do not agree on the potential impact of this missense change (SIFT: "Deleterious"; PolyPhen-2: "Benign"; Align-GVGD: "Class C25"). In summary, the available evidence is currently insufficient to determine the role of this variant in disease. Therefore, it has been classified as a Variant of Uncertain Significance.